The following is an entry in ClinVar:

ClinVar aggregate classification (germline): Benign (1 of 4 stars; one submission).

Conditions:
Colorectal cancer, hereditary nonpolyposis, type 7. Identifiers: Orphanet 144, MedGen C1858380, MONDO:0013725, OMIM 614385.

Submission:

Myriad Genetics, Inc.
Classification: Benign for Colorectal cancer, hereditary nonpolyposis, type 7. Last evaluated: 2026-09-18. Review status: criteria provided, single submitter. Criteria: Myriad Autosomal Dominant, Autosomal Recessive and X-Linked Classification Criteria (2023). Collection method: clinical testing. Allele origin: unknown.
Comment: This variant is considered benign. This variant is a silent/synonymous amino acid change and it is not expected to impact splicing.

NM_001040108.2(MLH3):c.3252T>G (p.Thr1084=)

Gene: MLH3 (mutL homolog 3; minus strand). Cytogenetic location: 14q24.3.
Variant type: single nucleotide variant.
Coding change: c.3252T>G on transcript NM_001040108.2 (MANE Select); coding-DNA position 3252, T replaced by G.
Protein change: p.Thr1084=; no amino-acid change (threonine 1084 retained).
Molecular consequence: synonymous variant.
Genome position (GRCh38, 1-based): chr14:75,046,404, A>C on the plus strand (T>G on the coding strand, the complement: MLH3 is on the minus strand). VCF-style: chr14-75046404-A-C. GRCh37 (hg19) VCF-style: chr14-75513107-A-C.
Other names: c.3252T>G, p.Thr1084= (NM_014381.3).
Identifiers: ClinVar variation 5042139 (VCV005042139.1).
Genomic context (GRCh38, chr14:75,046,404, plus strand): 5'-GCATCTCATGCACATGAATACTACGTACTTACCATTCTCAAGTACAACATCCACAGCCAC[A>C]GTTGTCAGGTCTTTAGTACAAGCAGCCTGAATGTCCTCAGTTGGGGCAATGAATGTGCTG-3'
Protein context (NP_001035197.1, residues 1074-1094): IQAACTKDLT[Thr1084=]VAVDVVLENG